The following is an entry in ClinVar:

NM_001134363.3(RBM20):c.2119T>C (p.Trp707Arg)

Gene: RBM20 (RNA binding motif protein 20; plus strand). Cytogenetic location: 10q25.2.
Variant type: single nucleotide variant.
Coding change: c.2119T>C on transcript NM_001134363.3 (MANE Select); coding-DNA position 2119, T replaced by C.
Protein change: p.Trp707Arg; replaces tryptophan 707 with arginine.
Molecular consequence: missense variant.
Genome position (GRCh38, 1-based): chr10:110,812,516, T>C. VCF-style: chr10-110812516-T-C. GRCh37 (hg19) VCF-style: chr10-112572274-T-C.
Other names: short protein forms W707R.
Identifiers: ClinVar variation 2839685 (VCV002839685.2), dbSNP rs1554842725, ClinGen allele CA378371945.

ClinVar aggregate classification (germline): Uncertain significance (1 of 4 stars; one submission).

Conditions:
Dilated cardiomyopathy 1DD (CMD1DD). Identifiers: Orphanet 154, MedGen C2750995, MONDO:0013168, OMIM 613172.

Submission:

Labcorp Genetics (formerly Invitae), Labcorp
Classification: Uncertain significance for Dilated cardiomyopathy 1DD. Last evaluated: 2023-04-09. Review status: criteria provided, single submitter. Criteria: Invitae Variant Classification Sherloc (09022015). Collection method: clinical testing. Allele origin: germline.
Comment: This sequence change replaces tryptophan, which is neutral and slightly polar, with arginine, which is basic and polar, at codon 707 of the RBM20 protein (p.Trp707Arg). This variant is not present in population databases (gnomAD no frequency). This variant has not been reported in the literature in individuals affected with RBM20-related conditions. Advanced modeling of protein sequence and biophysical properties (such as structural, functional, and spatial information, amino acid conservation, physicochemical variation, residue mobility, and thermodynamic stability) performed at Invitae indicates that this missense variant is not expected to disrupt RBM20 protein function. In summary, the available evidence is currently insufficient to determine the role of this variant in disease. Therefore, it has been classified as a Variant of Uncertain Significance.